The following is an entry in ClinVar:

NM_000493.4(COL10A1):c.670_671delinsAG (p.Glu224Arg)

Genes: COL10A1 (collagen type X alpha 1 chain; minus strand), NT5DC1 (5'-nucleotidase domain containing 1; plus strand). Cytogenetic location: 6q22.1.
Variant type: Indel.
Coding change: c.670_671delinsAG on transcript NM_000493.4 (MANE Select); coding-DNA positions 670 to 671, GA replaced by AG.
Protein change: p.Glu224Arg; replaces glutamic acid 224 with arginine.
Molecular consequence: missense variant. On other transcripts: intron variant (1).
Genome position (GRCh38, 1-based): chr6:116,121,445-116,121,446, TC replaced by CT on the plus strand (GA replaced by AG on the coding strand, the reverse complement: COL10A1 is on the minus strand). VCF-style: chr6-116121445-TC-CT. GRCh37 (hg19) VCF-style: chr6-116442608-TC-CT.
Other names: c.670_671delinsAG, p.Glu224Arg (NM_001424106.1, NM_001424107.1); c.529+3500_529+3501delinsCT (NM_152729.3); short protein forms E224R.
Identifiers: ClinVar variation 1415110 (VCV001415110.6), dbSNP rs2114288816, ClinGen allele CA2573140422.

ClinVar aggregate classification (germline): Uncertain significance (1 of 4 stars; one submission).

Submission:

Labcorp Genetics (formerly Invitae), Labcorp
Classification: Uncertain significance. Last evaluated: 2023-07-26. Review status: criteria provided, single submitter. Criteria: Invitae Variant Classification Sherloc (09022015). Collection method: clinical testing. Allele origin: germline.
Comment: In summary, the available evidence is currently insufficient to determine the role of this variant in disease. Therefore, it has been classified as a Variant of Uncertain Significance. Experimental studies and prediction algorithms are not available or were not evaluated, and the functional significance of this variant is currently unknown. ClinVar contains an entry for this variant (Variation ID: 1415110). This variant has not been reported in the literature in individuals affected with COL10A1-related conditions. This variant is present in population databases (no rsID available, gnomAD 0.002%). This sequence change replaces glutamic acid, which is acidic and polar, with arginine, which is basic and polar, at codon 224 of the COL10A1 protein (p.Glu224Arg).